The following is an entry in ClinVar:

ClinVar aggregate classification (germline): Uncertain significance. Review status: criteria provided, multiple submitters, no conflicts (2 of 4 stars). 2 submissions from 2 submitters: Uncertain significance (2). Last evaluated 2025-11-20.

Conditions:
Inborn genetic diseases. Identifiers: MedGen C0950123, MeSH D030342.

Allele frequency attached by ClinVar (database versions not stated): gnomAD exomes below 0.00001; TOPMed below 0.00001.
gnomAD v4.1: 2 of 1,614,178 alleles (0.00012%); highest among the groups gnomAD compares: Non-Finnish European, 0.00017%; no homozygotes.

Submissions (2):

Ambry Genetics
Classification: Uncertain significance for Inborn genetic diseases. Last evaluated: 2025-11-20. Review status: criteria provided, single submitter. Criteria: Ambry Variant Classification Scheme 2023. Collection method: clinical testing. Allele origin: germline.

Labcorp Genetics (formerly Invitae), Labcorp
Classification: Uncertain significance. Last evaluated: 2022-05-31. Review status: criteria provided, single submitter. Criteria: Invitae Variant Classification Sherloc (09022015). Collection method: clinical testing. Allele origin: germline.
Comment: In summary, the available evidence is currently insufficient to determine the role of this variant in disease. Therefore, it has been classified as a Variant of Uncertain Significance. Algorithms developed to predict the effect of missense changes on protein structure and function are either unavailable or do not agree on the potential impact of this missense change (SIFT: "Deleterious"; PolyPhen-2: "Benign"; Align-GVGD: "Class C55"). This variant has not been reported in the literature in individuals affected with SRCAP-related conditions. This variant is not present in population databases (gnomAD no frequency). This sequence change replaces threonine, which is neutral and polar, with asparagine, which is neutral and polar, at codon 1208 of the SRCAP protein (p.Thr1208Asn).

NM_006662.3(SRCAP):c.3623C>A (p.Thr1208Asn)

Gene: SRCAP (Snf2 related CREBBP activator protein; plus strand). Cytogenetic location: 16p11.2.
Variant type: single nucleotide variant.
Coding change: c.3623C>A on transcript NM_006662.3 (MANE Select); coding-DNA position 3623, C replaced by A.
Protein change: p.Thr1208Asn; replaces threonine 1208 with asparagine.
Molecular consequence: missense variant.
Genome position (GRCh38, 1-based): chr16:30,722,203, C>A. VCF-style: chr16-30722203-C-A. GRCh37 (hg19) VCF-style: chr16-30733524-C-A.
Other names: c.3623C>A (NM_006662.2); short protein forms T1208N.
Identifiers: ClinVar variation 1986012 (VCV001986012.5), dbSNP rs1039936485, ClinGen allele CA280512373.